The following is an entry in ClinVar:

ClinVar aggregate classification (germline): Pathogenic/Likely pathogenic. Review status: criteria provided, multiple submitters, no conflicts (2 of 4 stars). 10 submissions from 10 submitters: Pathogenic (5); Likely pathogenic (5). Last evaluated 2025-03-06.

Conditions:
Familial cancer of breast. Also called: BREAST CANCER, FAMILIAL; Hereditary breast cancer; hereditary breast carcinoma. Identifiers: Orphanet 227535, MedGen C0346153, MONDO:0016419, OMIM 114480. Disease mechanism: loss of function.
CHEK2-related cancer predisposition (TPDS4). Also called: TUMOR PREDISPOSITION SYNDROME 4; CANCER PREDISPOSITION SYNDROME, CHEK2-RELATED; CHEK2-related cancer susceptibility. Identifiers: Orphanet 524, MedGen C5882668, MONDO:0700271, OMIM 609265.
Prostate cancer. Also called: Malignant tumor of prostate. Identifiers: Orphanet 1331, MedGen C0376358, MONDO:0008315, HP:0012125.
Bone osteosarcoma. Also called: Osteosarcoma, somatic. Identifiers: Orphanet 668, MedGen C0585442, MONDO:0002629, OMIM 259500.
Hereditary cancer-predisposing syndrome. Also called: Neoplastic Syndromes, Hereditary; Hereditary Cancer Syndrome; Hereditary neoplastic syndrome; Tumor predisposition. Identifiers: Orphanet 140162, MedGen C0027672, MeSH D009386, MONDO:0015356.

Submissions (10):

Ambry Genetics
Classification: Likely pathogenic for Hereditary cancer-predisposing syndrome. Last evaluated: 2025-03-06. Review status: criteria provided, single submitter. Criteria: Ambry Variant Classification Scheme 2023. Collection method: clinical testing. Allele origin: germline.
Comment: The c.444+2T>C intronic variant results from a T to C substitution two nucleotides after coding exon 2 in the CHEK2 gene. This alteration was identified in a cohort of 2508 individuals who underwent multi-gene hereditary cancer panel testing and were found to have at least one pathogenic or likely pathogenic variant in CHEK2 (Sutcliffe EG et al. Cancer Genet, 2020 08;246-247:12-17). This nucleotide position is highly conserved in available vertebrate species. In silico splice site analysis predicts that this alteration will weaken the native splice donor site and will result in the creation or strengthening of a novel splice donor site; however direct evidence is insufficient at this time. Alterations that disrupt the canonical splice site are expected to cause aberrant splicing, resulting in an abnormal protein or a transcript that is subject to nonsense-mediated mRNA decay. As such, this alteration is classified as likely pathogenic.

Labcorp Genetics (formerly Invitae), Labcorp
Classification: Pathogenic for Familial cancer of breast. Last evaluated: 2025-03-03. Review status: criteria provided, single submitter. Criteria: Invitae Variant Classification Sherloc (09022015). Collection method: clinical testing. Allele origin: germline.
Comment: This sequence change affects a donor splice site in intron 3 of the CHEK2 gene. RNA analysis indicates that disruption of this splice site induces altered splicing and may result in an absent or altered protein product. This variant is not present in population databases (gnomAD no frequency). This variant has not been reported in the literature in individuals affected with CHEK2-related conditions. ClinVar contains an entry for this variant (Variation ID: 422638). Studies have shown that disruption of this splice site results in activation of a cryptic splice site, and produces a non-functional protein and/or introduces a premature termination codon (PMID: 12533788; internal data). For these reasons, this variant has been classified as Pathogenic.

Quest Diagnostics Nichols Institute San Juan Capistrano
Classification: Likely pathogenic. Last evaluated: 2023-12-26. Review status: criteria provided, single submitter. Criteria: Quest Diagnostics criteria. Collection method: clinical testing. Allele origin: unknown.
Comment: The CHEK2 c.444+2T>C variant disrupts a canonical splice-donor site and is predicted to interfere with normal CHEK2 mRNA splicing. This variant has been reported in the published literature in an individual with breast cancer (PMID: 35220195 (2022)). This variant has not been reported in large, multi-ethnic general populations (Genome Aggregation Database). Based on the available information, this variant is classified as likely pathogenic.

KCCC/NGS Laboratory, Kuwait Cancer Control Center
Classification: Pathogenic for Familial cancer of breast. Last evaluated: 2023-09-17. Review status: criteria provided, single submitter. Criteria: ACMG Guidelines, 2015. Collection method: clinical testing. Allele origin: germline. Inheritance: Autosomal dominant inheritance. Affected: yes. Observed: 1 heterozygote.
Comment: This sequence change affects a donor splice site in intron 3 of the CHEK2 gene. RNA analysis indicates that disruption of this splice site induces altered splicing and may result in an absent or disrupted protein product. This variant is not present in population databases (gnomAD no frequency).This nucleotide position is highly conserved  ( PhyloP=6.76) . This variant has not been reported in the literature in individuals affected with CHEK2-related conditions. ClinVar contains an entry for this variant (Variation ID: 422638) classified as pathogenic . Studies have shown that disruption of this splice site results in activation of a cryptic splice site and introduces a premature termination codon (PMID: 12533788). The resulting mRNA is expected to undergo nonsense-mediated decay. For these reasons, this variant has been classified as Pathogenic.

Baylor Genetics
Classification: Likely pathogenic for Familial cancer of breast. Last evaluated: 2023-08-24. Review status: criteria provided, single submitter. Criteria: ACMG Guidelines, 2015. Collection method: clinical testing. Allele origin: unknown.

Myriad Genetics, Inc.
Classification: Likely pathogenic for Familial cancer of breast. Last evaluated: 2023-06-23. Review status: criteria provided, single submitter. Criteria: Myriad Autosomal Dominant, Autosomal Recessive and X-Linked Classification Criteria (2023). Collection method: clinical testing. Allele origin: unknown.
Comment: This variant is considered likely pathogenic. This variant occurs within a consensus splice junction and is predicted to result in abnormal mRNA splicing of either an out-of-frame exon or an in-frame exon necessary for protein stability and/or normal function.

Color Diagnostics, LLC DBA Color Health
Classification: Likely pathogenic for Hereditary cancer-predisposing syndrome. Last evaluated: 2022-01-20. Review status: criteria provided, single submitter. Criteria: ACMG Guidelines, 2015. Collection method: clinical testing. Allele origin: germline.
Comment: This variant causes a T to C nucleotide substitution at the +2 position of intron 3 of the CHEK2 gene, changing a GT donor site to a GC donor site. Splice site prediction tools predict that this variant may have a significant impact on RNA splicing, potentially utilizing a cryptic GT donor site 4 nucleotides downstream. Although this prediction has not been confirmed in published RNA studies, this variant is expected to result in an absent or disrupted protein product. Different variants affecting the same splice donor, c.444+1G>A and c.444+1G>C, c.444+1G>T, c.444+1del are known to be disease-causing (ClinVar variation ID: 928268, 419303, 128075, 126914). This variant has not been reported in individuals affected with hereditary cancer in the literature. This variant has not been identified in the general population by the Genome Aggregation Database (gnomAD). Loss of CHEK2 function is a known mechanism of disease. Based on the available evidence, this variant is classified as Likely Pathogenic.

GeneDx
Classification: Pathogenic. Last evaluated: 2019-11-08. Review status: criteria provided, single submitter. Criteria: GeneDx Variant Classification Process June 2021. Collection method: clinical testing. Allele origin: germline. Affected: yes.
Comment: Canonical splice site variant in a gene for which loss-of-function is a known mechanism of disease; Not observed at a significant frequency in large population cohorts (Lek 2016); Has not been previously published as pathogenic or benign to our knowledge; Also known as c.573+2T>C or IVS2+2T>C

Revvity Omics, Revvity
Classification: Pathogenic. Last evaluated: 2019-03-04. Review status: criteria provided, single submitter. Criteria: ACMG Guidelines, 2015. Collection method: clinical testing. Allele origin: germline.

Fulgent Genetics
Classification: Pathogenic for Familial cancer of breast; Familial prostate cancer; Bone osteosarcoma; CHEK2-related cancer predisposition. Last evaluated: 2018-10-31. Review status: criteria provided, single submitter. Criteria: ACMG Guidelines, 2015. Collection method: clinical testing. Allele origin: unknown.

Literature cited by the submitters: PubMed 32805687 (cited by Ambry Genetics and Quest Diagnostics Nichols Institute San Juan Capistrano); PubMed 12533788 (cited by Labcorp Genetics (formerly Invitae), Labcorp); PubMed 35220195 (cited by Quest Diagnostics Nichols Institute San Juan Capistrano).

NM_007194.4(CHEK2):c.444+2T>C

Gene: CHEK2 (checkpoint kinase 2; minus strand). Cytogenetic location: 22q12.1.
Variant type: single nucleotide variant.
Coding change: c.444+2T>C on transcript NM_007194.4 (MANE Select); the canonical splice donor site of the intron after coding-DNA position 444, T replaced by C.
Molecular consequence: splice donor variant.
Genome position (GRCh38, 1-based): chr22:28,725,241, A>G on the plus strand (T>C on the coding strand, the complement: CHEK2 is on the minus strand). VCF-style: chr22-28725241-A-G. GRCh37 (hg19) VCF-style: chr22-29121229-A-G.
Other names: c.-220+2T>C (NM_001437942.1); c.444+2T>C (NM_001349956.3, NM_145862.3); c.-334+2T>C (NM_001257387.3); c.537+2T>C (NM_001438295.1, NM_001438293.1); c.573+2T>C (NM_001438294.1, NM_001005735.3).
Identifiers: ClinVar variation 422638 (VCV000422638.28), dbSNP rs560596101, ClinGen allele CA16621080.